The following is an entry in ClinVar:

ClinVar aggregate classification (germline): Uncertain significance (1 of 4 stars; one submission).

Submission:

GeneDx
Classification: Uncertain significance. Last evaluated: 2022-12-13. Review status: criteria provided, single submitter. Criteria: GeneDx Variant Classification Process June 2021. Collection method: clinical testing. Allele origin: germline. Affected: yes.
Comment: Not observed at significant frequency in large population cohorts (gnomAD); In silico analysis supports that this missense variant has a deleterious effect on protein structure/function; In silico analysis is inconclusive as to whether the variant alters gene splicing. In the absence of RNA/functional studies, the actual effect of this sequence change is unknown.; Has not been previously published as pathogenic or benign to our knowledge

NM_182641.4(BPTF):c.8727G>C (p.Arg2909Ser)

Gene: BPTF (bromodomain PHD finger transcription factor; plus strand). Cytogenetic location: 17q24.2.
Variant type: single nucleotide variant.
Coding change: c.8727G>C on transcript NM_182641.4 (MANE Select); coding-DNA position 8727, G replaced by C.
Protein change: p.Arg2909Ser; replaces arginine 2909 with serine.
Molecular consequence: missense variant.
Genome position (GRCh38, 1-based): chr17:67,982,252, G>C. VCF-style: chr17-67982252-G-C. GRCh37 (hg19) VCF-style: chr17-65978368-G-C.
Other names: c.8676G>C, p.Arg2892Ser (NM_004459.7); short protein forms R2892S, R2909S.
Identifiers: ClinVar variation 2505929 (VCV002505929.1), dbSNP rs2513989224, ClinGen allele CA400734356.
Genomic context (GRCh38, chr17:67,982,252, plus strand): 5'-GCATCATTGTTTTCAAAAATGAAGGGTGCTTAATTGTTCCCTTTTTTCTATATTCTGTAG[G>C]TCTCATAACAACAAACTGCAGTCTACAGCTTCTTAAAGTTCAGCGTGTTAACCTAACATA-3'
Protein context (NP_872579.2, residues 2899-2919): VQKLKGFKAS[Arg2909Ser]SHNNKLQSTA